The following is an entry in ClinVar:

ClinVar aggregate classification (germline): Uncertain significance (1 of 4 stars; one submission).

Conditions:
Holoprosencephaly 11 (HPE11). Identifiers: Orphanet 2162, MedGen C3280215, MONDO:0013642, OMIM 614226.

Allele frequency attached by ClinVar (database versions not stated): ExAC 0.00001; gnomAD 0.00001; gnomAD exomes 0.00001; TOPMed 0.00001.
gnomAD v4.1: 13 of 1,614,046 alleles (0.00081%); highest among the groups gnomAD compares: South Asian, 0.0066%; 1 homozygote.

Submission:

Labcorp Genetics (formerly Invitae), Labcorp
Classification: Uncertain significance for Holoprosencephaly 11. Last evaluated: 2024-10-24. Review status: criteria provided, single submitter. Criteria: Invitae Variant Classification Sherloc (09022015). Collection method: clinical testing. Allele origin: germline.
Comment: This sequence change replaces asparagine, which is neutral and polar, with serine, which is neutral and polar, at codon 427 of the CDON protein (p.Asn427Ser). This variant is present in population databases (rs774008444, gnomAD 0.003%). This variant has not been reported in the literature in individuals affected with CDON-related conditions. ClinVar contains an entry for this variant (Variation ID: 1933343). Invitae Evidence Modeling of protein sequence and biophysical properties (such as structural, functional, and spatial information, amino acid conservation, physicochemical variation, residue mobility, and thermodynamic stability) indicates that this missense variant is not expected to disrupt CDON protein function with a negative predictive value of 80%. Algorithms developed to predict the effect of sequence changes on RNA splicing suggest that this variant may create or strengthen a splice site. In summary, the available evidence is currently insufficient to determine the role of this variant in disease. Therefore, it has been classified as a Variant of Uncertain Significance.

NM_001378964.1(CDON):c.1280A>G (p.Asn427Ser)

Gene: CDON (cell adhesion associated, oncogene regulated; minus strand). Cytogenetic location: 11q24.2.
Variant type: single nucleotide variant.
Coding change: c.1280A>G on transcript NM_001378964.1 (MANE Select); coding-DNA position 1280, A replaced by G.
Protein change: p.Asn427Ser; replaces asparagine 427 with serine.
Molecular consequence: missense variant.
Genome position (GRCh38, 1-based): chr11:126,010,613, T>C on the plus strand (A>G on the coding strand, the complement: CDON is on the minus strand). VCF-style: chr11-126010613-T-C. GRCh37 (hg19) VCF-style: chr11-125880508-T-C.
Other names: c.1280A>G, p.Asn427Ser (NM_001243597.3, NM_016952.6); short protein forms N427S.
Identifiers: ClinVar variation 1933343 (VCV001933343.5), dbSNP rs774008444, ClinGen allele CA6352067.